The following is an entry in ClinVar:

NM_006158.5(NEFL):c.1347G>C (p.Glu449Asp)

Gene: NEFL (neurofilament light chain; minus strand). Cytogenetic location: 8p21.2.
Variant type: single nucleotide variant.
Coding change: c.1347G>C on transcript NM_006158.5 (MANE Select); coding-DNA position 1347, G replaced by C.
Protein change: p.Glu449Asp; replaces glutamic acid 449 with aspartic acid.
Molecular consequence: missense variant.
Genome position (GRCh38, 1-based): chr8:24,953,618, C>G on the plus strand (G>C on the coding strand, the complement: NEFL is on the minus strand). VCF-style: chr8-24953618-C-G. GRCh37 (hg19) VCF-style: chr8-24811132-C-G.
Other names: short protein forms E449D.
Identifiers: ClinVar variation 948692 (VCV000948692.1), dbSNP rs1027193109, ClinGen allele CA174058628.

ClinVar aggregate classification (germline): Uncertain significance (1 of 4 stars; one submission).

Conditions:
Charcot-Marie-Tooth disease type 2E (CMT2E). Also called: CHARCOT-MARIE-TOOTH DISEASE, AXONAL, TYPE 2E; CHARCOT-MARIE-TOOTH NEUROPATHY, TYPE 2E. Identifiers: Orphanet 99939, MedGen C1843225, MONDO:0011894, OMIM 607684.

Allele frequency attached by ClinVar (database versions not stated): TOPMed 0.00002.

Submission:

Labcorp Genetics (formerly Invitae), Labcorp
Classification: Uncertain significance for Charcot-Marie-Tooth disease type 2E. Last evaluated: 2019-07-02. Review status: criteria provided, single submitter. Criteria: Invitae Variant Classification Sherloc (09022015). Collection method: clinical testing. Allele origin: germline.
Comment: This sequence change replaces glutamic acid with aspartic acid at codon 449 of the NEFL protein (p.Glu449Asp). The glutamic acid residue is highly conserved and there is a small physicochemical difference between glutamic acid and aspartic acid. This variant is not present in population databases (ExAC no frequency). This variant has not been reported in the literature in individuals with NEFL-related conditions. Algorithms developed to predict the effect of missense changes on protein structure and function are either unavailable or do not agree on the potential impact of this missense change (SIFT: "Deleterious"; PolyPhen-2: "Not Available"; Align-GVGD: "Class C35"). In summary, the available evidence is currently insufficient to determine the role of this variant in disease. Therefore, it has been classified as a Variant of Uncertain Significance.